The following is an entry in ClinVar:

NM_005120.3(MED12):c.2073G>T (p.Met691Ile)

Gene: MED12 (mediator complex subunit 12; plus strand). Cytogenetic location: Xq13.1.
Variant type: single nucleotide variant.
Coding change: c.2073G>T on transcript NM_005120.3 (MANE Select); coding-DNA position 2073, G replaced by T.
Protein change: p.Met691Ile; replaces methionine 691 with isoleucine.
Molecular consequence: missense variant.
Genome position (GRCh38, 1-based): chrX:71,124,993, G>T. VCF-style: chrX-71124993-G-T. GRCh37 (hg19) VCF-style: chrX-70344843-G-T.
Other names: short protein forms M691I.
Identifiers: ClinVar variation 3373721 (VCV003373721.3).
Genomic context (GRCh38, chrX:71,124,993, plus strand): 5'-ACTTTCCTTCTTCTCATGTTCTGCTTTCTCACCTTTCTCTCAGTTGTTCTCCCCTACTAT[G>T]CCCTGTGAGGGGAAGGGCAGTCCATCCCCTGAGAAGCCAGATGTCGAGAAGGAGGTGAAG-3'
Protein context (NP_005111.2, residues 681-701): KPDFSLFSPT[Met691Ile]PCEGKGSPSP

ClinVar aggregate classification (germline): Uncertain significance. Review status: criteria provided, multiple submitters, no conflicts (2 of 4 stars). 3 submissions from 3 submitters: Uncertain significance (3). Last evaluated 2025-12-13.

Conditions:
Familial thoracic aortic aneurysm and aortic dissection (TAAD). Also called: Thoracic aortic aneurysms and dissections. Identifiers: Orphanet 91387, MedGen C4707243, MONDO:0019625.
FG syndrome (FGS). Identifiers: MedGen C0220769, MONDO:0002010.

gnomAD v4.1: 11 of 1,210,448 alleles (0.00091%); highest among the groups gnomAD compares: Non-Finnish European, 0.0012%; no homozygotes.

Submissions (3):

Labcorp Genetics (formerly Invitae), Labcorp
Classification: Uncertain significance for FG syndrome. Last evaluated: 2025-12-13. Review status: criteria provided, single submitter. Criteria: Invitae Variant Classification Sherloc (09022015). Collection method: clinical testing. Allele origin: germline.
Comment: This sequence change replaces methionine, which is neutral and non-polar, with isoleucine, which is neutral and non-polar, at codon 691 of the MED12 protein (p.Met691Ile). This variant is not present in population databases (gnomAD no frequency). This variant has not been reported in the literature in individuals affected with MED12-related conditions. ClinVar contains an entry for this variant (Variation ID: 3373721). Invitae Evidence Modeling of protein sequence and biophysical properties (such as structural, functional, and spatial information, amino acid conservation, physicochemical variation, residue mobility, and thermodynamic stability) indicates that this missense variant is not expected to disrupt MED12 protein function with a negative predictive value of 95%. In summary, the available evidence is currently insufficient to determine the role of this variant in disease. Therefore, it has been classified as a Variant of Uncertain Significance.

Ambry Genetics
Classification: Uncertain significance for Familial thoracic aortic aneurysm and aortic dissection. Last evaluated: 2024-10-27. Review status: criteria provided, single submitter. Criteria: Ambry Variant Classification Scheme 2023. Collection method: clinical testing. Allele origin: germline.
Comment: The p.M691I variant (also known as c.2073G>T), located in coding exon 15 of the MED12 gene, results from a G to T substitution at nucleotide position 2073. The methionine at codon 691 is replaced by isoleucine, an amino acid with highly similar properties. This amino acid position is conserved. In addition, this alteration is predicted to be tolerated by in silico analysis. Based on the available evidence, the clinical significance of this variant remains unclear.

GeneDx
Classification: Uncertain significance. Last evaluated: 2024-03-05. Review status: criteria provided, single submitter. Criteria: GeneDx Variant Classification Process June 2021. Collection method: clinical testing. Allele origin: germline. Affected: yes.
Comment: Not observed at significant frequency in large population cohorts (gnomAD); In silico analysis supports that this missense variant does not alter protein structure/function; Has not been previously published as pathogenic or benign to our knowledge